The following is an entry in ClinVar:

NM_018993.4(RIN2):c.106G>T (p.Val36Leu)

Gene: RIN2 (Ras and Rab interactor 2; plus strand). Cytogenetic location: 20p11.23.
Variant type: single nucleotide variant.
Coding change: c.106G>T on transcript NM_018993.4 (MANE Select); coding-DNA position 106, G replaced by T.
Protein change: p.Val36Leu; replaces valine 36 with leucine.
Molecular consequence: missense variant. On other transcripts: 5 prime UTR variant (1).
Genome position (GRCh38, 1-based): chr20:19,935,147, G>T. VCF-style: chr20-19935147-G-T. GRCh37 (hg19) VCF-style: chr20-19915791-G-T.
Other names: c.253G>T, p.Val85Leu (NM_001242581.2); c.-440G>T (NM_001378238.1); short protein forms V85L, V36L.
Identifiers: ClinVar variation 2141873 (VCV002141873.2), dbSNP rs765060059, ClinGen allele CA9779720.

ClinVar aggregate classification (germline): Uncertain significance (1 of 4 stars; one submission).

Allele frequency attached by ClinVar (database versions not stated): ExAC 0.00003.
gnomAD v4.1: 57 of 1,604,898 alleles (0.0036%); highest among the groups gnomAD compares: Admixed American, 0.01%; no homozygotes.

Submission:

Labcorp Genetics (formerly Invitae), Labcorp
Classification: Uncertain significance. Last evaluated: 2023-12-18. Review status: criteria provided, single submitter. Criteria: Invitae Variant Classification Sherloc (09022015). Collection method: clinical testing. Allele origin: germline.
Comment: This sequence change replaces valine, which is neutral and non-polar, with leucine, which is neutral and non-polar, at codon 36 of the RIN2 protein (p.Val36Leu). This variant is present in population databases (rs765060059, gnomAD 0.005%). This variant has not been reported in the literature in individuals affected with RIN2-related conditions. ClinVar contains an entry for this variant (Variation ID: 2141873). Experimental studies and prediction algorithms are not available or were not evaluated, and the functional significance of this variant is currently unknown. In summary, the available evidence is currently insufficient to determine the role of this variant in disease. Therefore, it has been classified as a Variant of Uncertain Significance.